The following is an entry in ClinVar:

ClinVar aggregate classification (germline): Uncertain significance (1 of 4 stars; one submission).

Allele frequency attached by ClinVar (database versions not stated): ExAC 0.00002; TOPMed 0.00002; gnomAD exomes 0.00008.
gnomAD v4.1: 117 of 1,612,190 alleles (0.0073%); highest among the groups gnomAD compares: Non-Finnish European, 0.0098%; no homozygotes.

Submission:

Labcorp Genetics (formerly Invitae), Labcorp
Classification: Uncertain significance. Last evaluated: 2023-07-20. Review status: criteria provided, single submitter. Criteria: Invitae Variant Classification Sherloc (09022015). Collection method: clinical testing. Allele origin: germline.
Comment: In summary, the available evidence is currently insufficient to determine the role of this variant in disease. Therefore, it has been classified as a Variant of Uncertain Significance. Variants that disrupt the consensus splice site are a relatively common cause of aberrant splicing (PMID: 17576681, 9536098). Algorithms developed to predict the effect of sequence changes on RNA splicing suggest that this variant may disrupt the consensus splice site. ClinVar contains an entry for this variant (Variation ID: 2083124). This variant has not been reported in the literature in individuals affected with HMCN1-related conditions. This variant is present in population databases (rs539369335, gnomAD 0.008%). This sequence change falls in intron 45 of the HMCN1 gene. It does not directly change the encoded amino acid sequence of the HMCN1 protein. It affects a nucleotide within the consensus splice site.

Literature cited by the submitters: PubMed 17576681; PubMed 9536098.

NM_031935.3(HMCN1):c.7144+5G>A

Gene: HMCN1 (hemicentin 1; plus strand). Cytogenetic location: 1q31.1.
Variant type: single nucleotide variant.
Coding change: c.7144+5G>A on transcript NM_031935.3 (MANE Select); 5 bases into the intron after coding-DNA position 7144, G replaced by A.
Molecular consequence: intron variant.
Genome position (GRCh38, 1-based): chr1:186,055,679, G>A. VCF-style: chr1-186055679-G-A. GRCh37 (hg19) VCF-style: chr1-186024811-G-A.
Identifiers: ClinVar variation 2083124 (VCV002083124.4), dbSNP rs539369335, ClinGen allele CA1292742.
Genomic context (GRCh38, chr1:186,055,679, plus strand): 5'-TGTTGCTGTGAATGTAGCAGGAATGACTGACAAAAAATATGACTTAAGTGTCCATGGTAA[G>A]TAGAAAGAGGCTCAATATGTCCATTCACTGGCTAACGTAATCTAGCATCCTGGATGGGAG-3'